The following is an entry in ClinVar:

NM_006947.4(SRP72):c.551G>C (p.Cys184Ser)

Gene: SRP72 (signal recognition particle 72; plus strand). Cytogenetic location: 4q12.
Variant type: single nucleotide variant.
Coding change: c.551G>C on transcript NM_006947.4 (MANE Select); coding-DNA position 551, G replaced by C.
Protein change: p.Cys184Ser; replaces cysteine 184 with serine.
Molecular consequence: missense variant. On other transcripts: non-coding transcript variant (1).
Genome position (GRCh38, 1-based): chr4:56,474,332, G>C. VCF-style: chr4-56474332-G-C. GRCh37 (hg19) VCF-style: chr4-57340498-G-C.
Other names: c.551G>C, p.Cys184Ser (NM_001267722.2); short protein forms C184S.
Identifiers: ClinVar variation 2813155 (VCV002813155.3), dbSNP rs1324940013, ClinGen allele CA356997004.

ClinVar aggregate classification (germline): Uncertain significance (1 of 4 stars; one submission).

Allele frequency attached by ClinVar (database versions not stated): TOPMed 0.00001.

Submission:

Labcorp Genetics (formerly Invitae), Labcorp
Classification: Uncertain significance. Last evaluated: 2025-07-07. Review status: criteria provided, single submitter. Criteria: Invitae Variant Classification Sherloc (09022015). Collection method: clinical testing. Allele origin: germline.
Comment: This sequence change replaces cysteine, which is neutral and slightly polar, with serine, which is neutral and polar, at codon 184 of the SRP72 protein (p.Cys184Ser). This variant is not present in population databases (gnomAD no frequency). This variant has not been reported in the literature in individuals affected with SRP72-related conditions. ClinVar contains an entry for this variant (Variation ID: 2813155). Invitae Evidence Modeling of protein sequence and biophysical properties (such as structural, functional, and spatial information, amino acid conservation, physicochemical variation, residue mobility, and thermodynamic stability) indicates that this missense variant is not expected to disrupt SRP72 protein function with a negative predictive value of 80%. In summary, the available evidence is currently insufficient to determine the role of this variant in disease. Therefore, it has been classified as a Variant of Uncertain Significance.